The following is an entry in ClinVar:

ClinVar aggregate classification (germline): Uncertain significance (1 of 4 stars; one submission).

Conditions:
Cardiovascular phenotype. Identifiers: MedGen CN230736.

gnomAD v4.1: 3 of 1,539,594 alleles (0.00019%); highest among the groups gnomAD compares: South Asian, 0.0012%; no homozygotes.

Submission:

Ambry Genetics
Classification: Uncertain significance for Cardiovascular phenotype. Last evaluated: 2026-08-24. Review status: criteria provided, single submitter. Criteria: Ambry Variant Classification Scheme 2023. Collection method: clinical testing. Allele origin: germline.
Comment: The p.A3435V variant (also known as c.10304C>T), located in coding exon 2 of the ZNF469 gene, results from a C to T substitution at nucleotide position 10304. The alanine at codon 3435 is replaced by valine, an amino acid with similar properties. This amino acid position is conserved. In addition, this alteration is predicted to be tolerated by in silico analysis. Based on the available evidence, the clinical significance of this variant remains unclear.

NM_001367624.2(ZNF469):c.10388C>T (p.Ala3463Val)

Gene: ZNF469 (zinc finger protein 469; plus strand). Cytogenetic location: 16q24.2.
Variant type: single nucleotide variant.
Coding change: c.10388C>T on transcript NM_001367624.2 (MANE Select); coding-DNA position 10388, C replaced by T.
Protein change: p.Ala3463Val; replaces alanine 3463 with valine.
Molecular consequence: missense variant.
Genome position (GRCh38, 1-based): chr16:88,437,858, C>T. VCF-style: chr16-88437858-C-T. GRCh37 (hg19) VCF-style: chr16-88504266-C-T.
Other names: NM_001127464.1:c.10304C>T; short protein forms A3463V.
Identifiers: ClinVar variation 5032263 (VCV005032263.1).